The following is an entry in ClinVar:

ClinVar aggregate classification (germline): Uncertain significance (1 of 4 stars; one submission).

Allele frequency attached by ClinVar (database versions not stated): TOPMed below 0.00001; ExAC 0.00001; gnomAD 0.00001; gnomAD exomes 0.00002.
gnomAD v4.1: 28 of 1,614,002 alleles (0.0017%); highest among the groups gnomAD compares: South Asian, 0.025%; no homozygotes.

Submission:

Labcorp Genetics (formerly Invitae), Labcorp
Classification: Uncertain significance. Last evaluated: 2025-06-16. Review status: criteria provided, single submitter. Criteria: Invitae Variant Classification Sherloc (09022015). Collection method: clinical testing. Allele origin: germline.
Comment: This sequence change replaces arginine, which is basic and polar, with glutamine, which is neutral and polar, at codon 660 of the EMC1 protein (p.Arg660Gln). This variant is present in population databases (rs750358879, gnomAD 0.02%). This variant has not been reported in the literature in individuals affected with EMC1-related conditions. ClinVar contains an entry for this variant (Variation ID: 1930505). An algorithm developed to predict the effect of missense changes on protein structure and function (PolyPhen-2) suggests that this variant is likely to be tolerated. In summary, the available evidence is currently insufficient to determine the role of this variant in disease. Therefore, it has been classified as a Variant of Uncertain Significance.

NM_015047.3(EMC1):c.1979G>A (p.Arg660Gln)

Genes: EMC1 (ER membrane protein complex subunit 1; minus strand), EMC1-AS1 (EMC1 antisense RNA 1; plus strand). Cytogenetic location: 1p36.13.
Variant type: single nucleotide variant.
Coding change: c.1979G>A on transcript NM_015047.3 (MANE Select); coding-DNA position 1979, G replaced by A.
Protein change: p.Arg660Gln; replaces arginine 660 with glutamine.
Molecular consequence: missense variant.
Genome position (GRCh38, 1-based): chr1:19,230,929, C>T on the plus strand (G>A on the coding strand, the complement: EMC1 is on the minus strand). VCF-style: chr1-19230929-C-T. GRCh37 (hg19) VCF-style: chr1-19557423-C-T.
Other names: c.1976G>A, p.Arg659Gln (NM_001271427.2, NM_001271428.2); c.1913G>A, p.Arg638Gln (NM_001271429.2); c.1988G>A, p.Arg663Gln (NM_001375820.1); c.1985G>A, p.Arg662Gln (NM_001375821.1); short protein forms R638Q, R660Q, R659Q, R663Q, R662Q.
Identifiers: ClinVar variation 1930505 (VCV001930505.5), dbSNP rs750358879, ClinGen allele CA652437.